The following is an entry in ClinVar:

ClinVar aggregate classification (germline): Uncertain significance (1 of 4 stars; one submission).

Conditions:
Wilms Tumor Predisposition. Identifiers: MedGen CN381522.

gnomAD v4.1: 12 of 1,613,738 alleles (0.00074%); highest among the groups gnomAD compares: Non-Finnish European, 0.00093%; no homozygotes.

Submission:

St. Jude Molecular Pathology, St. Jude Children's Research Hospital
Classification: Uncertain significance for Wilms tumor predisposition. Last evaluated: 2024-05-12. Review status: criteria provided, single submitter. Criteria: St. Jude Assertion Criteria 2020. Collection method: clinical testing. Allele origin: germline.
Comment: The NYNRIN c.125T>A (p.Phe42Tyr) missense change has a maximum subpopulation frequency of 0.0009% in gnomAD v2.1.1. The in silico tool REVEL predicts a benign effect on protein function, but to our knowledge this prediction has not been confirmed by functional studies. To our knowledge, this variant has not been reported in individuals with Wilms tumor. In summary, the evidence currently available is insufficient to determine the clinical significance of this variant. It has therefore been classified as of uncertain significance.

NM_025081.3(NYNRIN):c.125T>A (p.Phe42Tyr)

Gene: NYNRIN (NYN domain and retroviral integrase containing; plus strand). Cytogenetic location: 14q12.
Variant type: single nucleotide variant.
Coding change: c.125T>A on transcript NM_025081.3 (MANE Select); coding-DNA position 125, T replaced by A.
Protein change: p.Phe42Tyr; replaces phenylalanine 42 with tyrosine.
Molecular consequence: missense variant.
Genome position (GRCh38, 1-based): chr14:24,399,371, T>A. VCF-style: chr14-24399371-T-A. GRCh37 (hg19) VCF-style: chr14-24868577-T-A.
Other names: short protein forms F42Y.
Identifiers: ClinVar variation 3377788 (VCV003377788.1).